The following is an entry in ClinVar:

NM_005045.4(RELN):c.4954G>A (p.Glu1652Lys)

Gene: RELN (reelin; minus strand). Cytogenetic location: 7q22.1.
Variant type: single nucleotide variant.
Coding change: c.4954G>A on transcript NM_005045.4 (MANE Select); coding-DNA position 4954, G replaced by A.
Protein change: p.Glu1652Lys; replaces glutamic acid 1652 with lysine.
Molecular consequence: missense variant.
Genome position (GRCh38, 1-based): chr7:103,565,534, C>T on the plus strand (G>A on the coding strand, the complement: RELN is on the minus strand). VCF-style: chr7-103565534-C-T. GRCh37 (hg19) VCF-style: chr7-103205981-C-T.
Other names: c.4954G>A, p.Glu1652Lys (NM_173054.3); short protein forms E1652K.
Identifiers: ClinVar variation 4782861 (VCV004782861.1).

ClinVar aggregate classification (germline): Uncertain significance (1 of 4 stars; one submission).

Conditions:
Norman-Roberts syndrome (LIS2). Also called: Lissencephaly 2 (Norman-Roberts type). Identifiers: Orphanet 89844, MedGen C0796089, MONDO:0009760, OMIM 257320.
Familial temporal lobe epilepsy 7. Identifiers: Orphanet 101046, MedGen C4225327, MONDO:0014639, OMIM 616436.

gnomAD v4.1: 1 of 1,610,750 alleles (0.000062%); highest among the groups gnomAD compares: East Asian, 0.0022%; no homozygotes.

Submission:

Labcorp Genetics (formerly Invitae), Labcorp
Classification: Uncertain significance for Familial temporal lobe epilepsy 7; Norman-Roberts syndrome. Last evaluated: 2025-06-09. Review status: criteria provided, single submitter. Criteria: Invitae Variant Classification Sherloc (09022015). Collection method: clinical testing. Allele origin: germline.
Comment: This sequence change replaces glutamic acid, which is acidic and polar, with lysine, which is basic and polar, at codon 1652 of the RELN protein (p.Glu1652Lys). This variant is not present in population databases (gnomAD no frequency). This variant has not been reported in the literature in individuals affected with RELN-related conditions. Invitae Evidence Modeling of protein sequence and biophysical properties (such as structural, functional, and spatial information, amino acid conservation, physicochemical variation, residue mobility, and thermodynamic stability) indicates that this missense variant is not expected to disrupt RELN protein function with a negative predictive value of 80%. In summary, the available evidence is currently insufficient to determine the role of this variant in disease. Therefore, it has been classified as a Variant of Uncertain Significance.